The following is an entry in ClinVar:

NM_001365999.1(SZT2):c.7619C>T (p.Ser2540Leu)

Gene: SZT2 (SZT2 subunit of KICSTOR complex; plus strand). Cytogenetic location: 1p34.2.
Variant type: single nucleotide variant.
Coding change: c.7619C>T on transcript NM_001365999.1 (MANE Select); coding-DNA position 7619, C replaced by T.
Protein change: p.Ser2540Leu; replaces serine 2540 with leucine.
Molecular consequence: missense variant.
Genome position (GRCh38, 1-based): chr1:43,441,695, C>T. VCF-style: chr1-43441695-C-T. GRCh37 (hg19) VCF-style: chr1-43907366-C-T.
Other names: c.7448C>T, p.Ser2483Leu (NM_015284.4); short protein forms S2483L, S2540L.
Identifiers: ClinVar variation 2117687 (VCV002117687.4), dbSNP rs1460008438, ClinGen allele CA340035549.

ClinVar aggregate classification (germline): Uncertain significance (1 of 4 stars; one submission).

gnomAD v4.1: 3 of 1,614,200 alleles (0.00019%); no homozygotes.

Submission:

Labcorp Genetics (formerly Invitae), Labcorp
Classification: Uncertain significance. Last evaluated: 2022-04-12. Review status: criteria provided, single submitter. Criteria: Invitae Variant Classification Sherloc (09022015). Collection method: clinical testing. Allele origin: germline.
Comment: In summary, the available evidence is currently insufficient to determine the role of this variant in disease. Therefore, it has been classified as a Variant of Uncertain Significance. Algorithms developed to predict the effect of missense changes on protein structure and function are either unavailable or do not agree on the potential impact of this missense change (SIFT: "Deleterious"; PolyPhen-2: "Probably Damaging"; Align-GVGD: "Class C0"). This variant has not been reported in the literature in individuals affected with SZT2-related conditions. This variant is present in population databases (no rsID available, gnomAD 0.002%). This sequence change replaces serine, which is neutral and polar, with leucine, which is neutral and non-polar, at codon 2483 of the SZT2 protein (p.Ser2483Leu).